The following is an entry in ClinVar:

NM_001035.3(RYR2):c.463+10T>C

Gene: RYR2 (ryanodine receptor 2; plus strand). Cytogenetic location: 1q43.
Variant type: single nucleotide variant.
Coding change: c.463+10T>C on transcript NM_001035.3 (MANE Select); 10 bases into the intron after coding-DNA position 463, T replaced by C.
Molecular consequence: intron variant.
Genome position (GRCh38, 1-based): chr1:237,374,805, T>C. VCF-style: chr1-237374805-T-C. GRCh37 (hg19) VCF-style: chr1-237538105-T-C.
Other names: c.463+10T>C (LRG_402t1).
Identifiers: ClinVar variation 36744 (VCV000036744.15), dbSNP rs193922627, ClinGen allele CA009602.

ClinVar aggregate classification (germline): Likely benign. Review status: criteria provided, multiple submitters, no conflicts (2 of 4 stars). 4 submissions from 4 submitters: Likely benign (4). Last evaluated 2025-10-13.

Conditions:
Catecholaminergic polymorphic ventricular tachycardia 1. Also called: VENTRICULAR TACHYCARDIA, STRESS-INDUCED POLYMORPHIC 1; VENTRICULAR TACHYCARDIA, CATECHOLAMINERGIC POLYMORPHIC, 1, WITH OR WITHOUT ATRIAL DYSFUNCTION AND/OR DILATED CARDIOMYOPATHY; RYR2-Related Catecholaminergic Polymorphic Ventricular Tachycardia. Identifiers: Orphanet 3286, MedGen C1631597, MONDO:0011484, OMIM 604772.

Allele frequency attached by ClinVar (database versions not stated): gnomAD 0.00001; gnomAD exomes 0.00001 and 0.00003; TOPMed 0.00003.
gnomAD v4.1: 48 of 1,608,178 alleles (0.003%); highest among the groups gnomAD compares: Non-Finnish European, 0.0039%; no homozygotes.

Submissions (4):

Labcorp Genetics (formerly Invitae), Labcorp
Classification: Likely benign for Catecholaminergic polymorphic ventricular tachycardia 1. Last evaluated: 2025-10-13. Review status: criteria provided, single submitter. Criteria: Invitae Variant Classification Sherloc (09022015). Collection method: clinical testing. Allele origin: germline.

Women's Health and Genetics/Laboratory Corporation of America, LabCorp
Classification: Likely benign. Last evaluated: 2024-12-12. Review status: criteria provided, single submitter. Criteria: LabCorp Variant Classification Summary - May 2015. Collection method: clinical testing. Allele origin: germline.

Blueprint Genetics
Classification: Likely benign. Last evaluated: 2023-04-05. Review status: criteria provided, single submitter. Criteria: ACMG Guidelines, 2015. Collection method: clinical testing. Allele origin: germline.

GeneDx
Classification: Likely benign. Last evaluated: 2016-12-28. Review status: criteria provided, single submitter. Criteria: GeneDx Variant Classification (06012015). Collection method: clinical testing. Allele origin: germline. Affected: yes.
Comment: This variant is considered likely benign or benign based on one or more of the following criteria: it is a conservative change, it occurs at a poorly conserved position in the protein, it is predicted to be benign by multiple in silico algorithms, and/or has population frequency not consistent with disease.